The following is an entry in ClinVar:

ClinVar aggregate classification (germline): Likely pathogenic (1 of 4 stars; one submission).

Conditions:
Intellectual developmental disorder, autosomal dominant 39. Also called: Mental retardation, autosomal dominant 39; Intellectual disability, autosomal dominant 39. Identifiers: MedGen C4225296, MONDO:0014678, OMIM 616521.

Submission:

Institute of Human Genetics, University of Leipzig Medical Center
Classification: Likely pathogenic for Intellectual developmental disorder, autosomal dominant 39. Last evaluated: 2022-09-30. Review status: criteria provided, single submitter. Criteria: ACMG Guidelines, 2015. Collection method: clinical testing. Allele origin: de novo. Affected: yes.
Comment: This variant was identified as de novo (maternity and paternity confirmed)._x000D_ Criteria applied: PS2_MOD, PM1, PM2_SUP, PP3

NM_001303052.2(MYT1L):c.1538G>T (p.Gly513Val)

Gene: MYT1L (myelin transcription factor 1 like; minus strand). Cytogenetic location: 2p25.3.
Variant type: single nucleotide variant.
Coding change: c.1538G>T on transcript NM_001303052.2 (MANE Select); coding-DNA position 1538, G replaced by T.
Protein change: p.Gly513Val; replaces glycine 513 with valine.
Molecular consequence: missense variant.
Genome position (GRCh38, 1-based): chr2:1,917,285, C>A on the plus strand (G>T on the coding strand, the complement: MYT1L is on the minus strand). VCF-style: chr2-1917285-C-A. GRCh37 (hg19) VCF-style: chr2-1921057-C-A.
Other names: c.1538G>T, p.Gly513Val (NM_001329844.2, NM_001329845.1, NM_001329851.3); c.1532G>T, p.Gly511Val (NM_001329846.3, NM_001329847.2, NM_001329848.1 and 3 more transcripts); short protein forms G511V, G513V.
Identifiers: ClinVar variation 1697307 (VCV001697307.2), dbSNP rs2149071963, ClinGen allele CA345702038.